The following is an entry in ClinVar:

ClinVar aggregate classification (germline): Uncertain significance (1 of 4 stars; one submission).

Conditions:
D-2-hydroxyglutaric aciduria 1 (D2HGA1). Identifiers: Orphanet 79315, MedGen C3152055, MONDO:0024554, OMIM 600721.

Allele frequency attached by ClinVar (database versions not stated): TOPMed below 0.00001; ExAC 0.00001.

Submission:

Labcorp Genetics (formerly Invitae), Labcorp
Classification: Uncertain significance for D-2-hydroxyglutaric aciduria 1. Last evaluated: 2022-10-20. Review status: criteria provided, single submitter. Criteria: Invitae Variant Classification Sherloc (09022015). Collection method: clinical testing. Allele origin: germline.
Comment: In summary, the available evidence is currently insufficient to determine the role of this variant in disease. Therefore, it has been classified as a Variant of Uncertain Significance. Algorithms developed to predict the effect of sequence changes on RNA splicing suggest that this variant may disrupt the consensus splice site. Algorithms developed to predict the effect of missense changes on protein structure and function are either unavailable or do not agree on the potential impact of this missense change (SIFT: "Deleterious"; PolyPhen-2: "Probably Damaging"; Align-GVGD: "Class C15"). This variant has not been reported in the literature in individuals affected with D2HGDH-related conditions. This variant is present in population databases (rs754604455, gnomAD 0.003%). This sequence change replaces valine, which is neutral and non-polar, with methionine, which is neutral and non-polar, at codon 229 of the D2HGDH protein (p.Val229Met).

NM_152783.5(D2HGDH):c.685G>A (p.Val229Met)

Gene: D2HGDH (D-2-hydroxyglutarate dehydrogenase; plus strand). Cytogenetic location: 2q37.3.
Variant type: single nucleotide variant.
Coding change: c.685G>A on transcript NM_152783.5 (MANE Select); coding-DNA position 685, G replaced by A.
Protein change: p.Val229Met; replaces valine 229 with methionine.
Molecular consequence: missense variant. On other transcripts: non-coding transcript variant (1).
Genome position (GRCh38, 1-based): chr2:241,744,709, G>A. VCF-style: chr2-241744709-G-A. GRCh37 (hg19) VCF-style: chr2-242684124-G-A.
Other names: c.283G>A, p.Val95Met (NM_001287249.2); c.124G>A, p.Val42Met (NM_001352824.2); short protein forms V42M, V229M, V95M.
Identifiers: ClinVar variation 2993286 (VCV002993286.3), dbSNP rs754604455, ClinGen allele CA2221748.